The following is an entry in ClinVar:

ClinVar aggregate classification (germline): Uncertain significance. Review status: criteria provided, multiple submitters, no conflicts (2 of 4 stars). 2 submissions from 2 submitters: Uncertain significance (2). Last evaluated 2025-12-22.

Allele frequency attached by ClinVar (database versions not stated): gnomAD 0.00003; TOPMed 0.00007; gnomAD exomes 0.00012.
gnomAD v4.1: 161 of 1,551,530 alleles (0.01%); highest among the groups gnomAD compares: Non-Finnish European, 0.014%; no homozygotes.

Submissions (2):

Labcorp Genetics (formerly Invitae), Labcorp
Classification: Uncertain significance. Last evaluated: 2025-12-22. Review status: criteria provided, single submitter. Criteria: Invitae Variant Classification Sherloc (09022015). Collection method: clinical testing. Allele origin: germline.
Comment: This sequence change replaces valine, which is neutral and non-polar, with alanine, which is neutral and non-polar, at codon 756 of the FAM65B protein (p.Val756Ala). This variant is present in population databases (rs775832453, gnomAD 0.003%). This variant has not been reported in the literature in individuals affected with FAM65B-related conditions. ClinVar contains an entry for this variant (Variation ID: 2195570). An algorithm developed to predict the effect of missense changes on protein structure and function (PolyPhen-2) suggests that this variant is likely to be tolerated. In summary, the available evidence is currently insufficient to determine the role of this variant in disease. Therefore, it has been classified as a Variant of Uncertain Significance.

Ambry Genetics
Classification: Uncertain significance. Last evaluated: 2025-05-14. Review status: criteria provided, single submitter. Criteria: Ambry Variant Classification Scheme 2023. Collection method: clinical testing. Allele origin: germline.

NM_001286445.3(RIPOR2):c.2204T>C (p.Val735Ala)

Gene: RIPOR2 (RHO family interacting cell polarization regulator 2; minus strand). Cytogenetic location: 6p22.3.
Variant type: single nucleotide variant.
Coding change: c.2204T>C on transcript NM_001286445.3 (MANE Select); coding-DNA position 2204, T replaced by C.
Protein change: p.Val735Ala; replaces valine 735 with alanine.
Molecular consequence: missense variant.
Genome position (GRCh38, 1-based): chr6:24,835,707, A>G on the plus strand (T>C on the coding strand, the complement: RIPOR2 is on the minus strand). VCF-style: chr6-24835707-A-G. GRCh37 (hg19) VCF-style: chr6-24835935-A-G.
Other names: c.2267T>C (NM_014722.2); c.2117T>C, p.Val706Ala (NM_001346031.2, NM_001346032.2); c.2267T>C, p.Val756Ala (NM_014722.5); short protein forms V735A, V706A, V756A.
Identifiers: ClinVar variation 2195570 (VCV002195570.6), dbSNP rs775832453, ClinGen allele CA136172651.